The following is an entry in ClinVar:

NM_032383.5(HPS3):c.2722A>G (p.Ile908Val)

Genes: CP (ceruloplasmin; minus strand), HPS3 (HPS3 biogenesis of lysosomal organelles complex 2 subunit 1; plus strand). Cytogenetic location: 3q24.
Variant type: single nucleotide variant.
Coding change: c.2722A>G on transcript NM_032383.5 (MANE Select); coding-DNA position 2722, A replaced by G.
Protein change: p.Ile908Val; replaces isoleucine 908 with valine.
Molecular consequence: missense variant.
Genome position (GRCh38, 1-based): chr3:149,167,166, A>G. VCF-style: chr3-149167166-A-G. GRCh37 (hg19) VCF-style: chr3-148884953-A-G.
Other names: c.2722A>G (NM_032383.3); c.2227A>G, p.Ile743Val (NM_001308258.2); short protein forms I908V, I743V.
Identifiers: ClinVar variation 2174723 (VCV002174723.5), dbSNP rs1338969633, ClinGen allele CA354925809.

ClinVar aggregate classification (germline): Uncertain significance. Review status: criteria provided, multiple submitters, no conflicts (2 of 4 stars). 2 submissions from 2 submitters: Uncertain significance (2). Last evaluated 2024-10-01.

Conditions:
Inborn genetic diseases. Identifiers: MedGen C0950123, MeSH D030342.

gnomAD v4.1: 2 of 1,613,442 alleles (0.00012%); highest among the groups gnomAD compares: African/African-American, 0.0013%; no homozygotes.

Submissions (2):

Ambry Genetics
Classification: Uncertain significance for Inborn genetic diseases. Last evaluated: 2024-10-01. Review status: criteria provided, single submitter. Criteria: Ambry Variant Classification Scheme 2023. Collection method: clinical testing. Allele origin: germline.

Labcorp Genetics (formerly Invitae), Labcorp
Classification: Uncertain significance. Last evaluated: 2023-12-11. Review status: criteria provided, single submitter. Criteria: Invitae Variant Classification Sherloc (09022015). Collection method: clinical testing. Allele origin: germline.
Comment: This sequence change replaces isoleucine, which is neutral and non-polar, with valine, which is neutral and non-polar, at codon 908 of the HPS3 protein (p.Ile908Val). This variant is not present in population databases (gnomAD no frequency). This variant has not been reported in the literature in individuals affected with HPS3-related conditions. ClinVar contains an entry for this variant (Variation ID: 2174723). Advanced modeling of protein sequence and biophysical properties (such as structural, functional, and spatial information, amino acid conservation, physicochemical variation, residue mobility, and thermodynamic stability) performed at Invitae indicates that this missense variant is not expected to disrupt HPS3 protein function with a negative predictive value of 80%. In summary, the available evidence is currently insufficient to determine the role of this variant in disease. Therefore, it has been classified as a Variant of Uncertain Significance.